The following is an entry in ClinVar:

ClinVar aggregate classification (germline): Uncertain significance. Review status: criteria provided, multiple submitters, no conflicts (2 of 4 stars). 2 submissions from 2 submitters: Uncertain significance (2). Last evaluated 2025-08-30.

Allele frequency attached by ClinVar (database versions not stated): ExAC 0.00002; gnomAD 0.00004.
gnomAD v4.1: 56 of 1,586,720 alleles (0.0035%); highest among the groups gnomAD compares: African/African-American, 0.0067%; no homozygotes.

Submissions (2):

Ambry Genetics
Classification: Uncertain significance. Last evaluated: 2025-08-30. Review status: criteria provided, single submitter. Criteria: Ambry Variant Classification Scheme 2023. Collection method: clinical testing. Allele origin: germline.

Labcorp Genetics (formerly Invitae), Labcorp
Classification: Uncertain significance. Last evaluated: 2024-07-01. Review status: criteria provided, single submitter. Criteria: Invitae Variant Classification Sherloc (09022015). Collection method: clinical testing. Allele origin: germline.
Comment: This sequence change replaces glycine, which is neutral and non-polar, with arginine, which is basic and polar, at codon 117 of the SPRY4 protein (p.Gly117Arg). This variant is present in population databases (rs767664986, gnomAD 0.01%). This variant has not been reported in the literature in individuals affected with SPRY4-related conditions. ClinVar contains an entry for this variant (Variation ID: 2415299). An algorithm developed to predict the effect of missense changes on protein structure and function (PolyPhen-2) suggests that this variant is likely to be disruptive. In summary, the available evidence is currently insufficient to determine the role of this variant in disease. Therefore, it has been classified as a Variant of Uncertain Significance.

NM_001127496.3(SPRY4):c.280G>A (p.Gly94Arg)

Gene: SPRY4 (sprouty RTK signaling antagonist 4; minus strand). Cytogenetic location: 5q31.3.
Variant type: single nucleotide variant.
Coding change: c.280G>A on transcript NM_001127496.3 (MANE Select); coding-DNA position 280, G replaced by A.
Protein change: p.Gly94Arg; replaces glycine 94 with arginine.
Molecular consequence: missense variant.
Genome position (GRCh38, 1-based): chr5:142,314,829, C>T on the plus strand (G>A on the coding strand, the complement: SPRY4 is on the minus strand). VCF-style: chr5-142314829-C-T. GRCh37 (hg19) VCF-style: chr5-141694394-C-T.
Other names: c.280G>A, p.Gly94Arg (NM_001293289.3, NM_001293290.3); c.349G>A, p.Gly117Arg (NM_030964.5); c.349G>A (NM_030964.3); short protein forms G117R, G94R.
Identifiers: ClinVar variation 2415299 (VCV002415299.7), dbSNP rs767664986, ClinGen allele CA3485581.